The following is an entry in ClinVar:

ClinVar aggregate classification (germline): Conflicting classifications of pathogenicity. Review status: criteria provided, conflicting classifications (1 of 4 stars). 4 submissions from 4 submitters: Uncertain significance (1); Benign (1). 2 of the submissions do not count toward it. Last evaluated 2025-06-15.

Conditions:
NSD1-related disorder. Also called: NSD1-related condition.
Sotos syndrome (SOTOS). Also called: Sotos' syndrome; CHROMOSOME 5q35 DELETION SYNDROME; SOTOS SYNDROME 1; Distinctive facial appearance, overgrowth in childhood, and learning disabilities or delayed development; CEREBRAL GIGANTISM. Identifiers: Orphanet 821, MedGen C0175695, MONDO:0019349, OMIM 117550.
Intellectual disability. Also called: Intellectual developmental disorder; Intellectual functioning disability; intellectual disabilities. Identifiers: MedGen C3714756, MeSH D008607, MONDO:0001071, HP:0001249.

Allele frequency attached by ClinVar (database versions not stated): 1000 Genomes Project 30x 0.00031; gnomAD exomes below 0.00001; ExAC 0.00001; gnomAD 0.00001 and 0.00002; TOPMed 0.00004; ESP Exome Variant Server 0.00008; 1000 Genomes Project 0.00020.
gnomAD v4.1: 10 of 1,614,046 alleles (0.00062%); highest among the groups gnomAD compares: African/African-American, 0.011%; no homozygotes.

Submissions (4):

Labcorp Genetics (formerly Invitae), Labcorp
Classification: Benign. Last evaluated: 2025-06-15. Review status: criteria provided, single submitter. Criteria: Invitae Variant Classification Sherloc (09022015). Collection method: clinical testing. Allele origin: germline.

Fulgent Genetics
Classification: Uncertain significance for Sotos syndrome. Last evaluated: 2024-04-23. Review status: criteria provided, single submitter. Criteria: ACMG Guidelines, 2015. Collection method: clinical testing. Allele origin: germline.

PreventionGenetics, part of Exact Sciences
Classification: Likely benign for NSD1-related condition. Last evaluated: 2019-08-27. Review status: no assertion criteria provided. Collection method: clinical testing. Allele origin: germline. Not counted in ClinVar's aggregate classification.
Comment: This variant is classified as likely benign based on ACMG/AMP sequence variant interpretation guidelines (Richards et al. 2015 PMID: 25741868, with internal and published modifications).

Centre de Biologie Pathologie Génétique, Centre Hospitalier Universitaire de Lille
Classification: Likely benign for Intellectual disability. Last evaluated: 2019-01-01. Review status: no assertion criteria provided. Collection method: clinical testing. Allele origin: inherited. Affected: yes. Not counted in ClinVar's aggregate classification.

NM_022455.5(NSD1):c.846A>C (p.Pro282=)

Gene: NSD1 (nuclear receptor binding SET domain protein 1; plus strand). Cytogenetic location: 5q35.3.
Variant type: single nucleotide variant.
Coding change: c.846A>C on transcript NM_022455.5 (MANE Select); coding-DNA position 846, A replaced by C.
Protein change: p.Pro282=; no amino-acid change (proline 282 retained).
Molecular consequence: synonymous variant. On other transcripts: 5 prime UTR variant (7).
Genome position (GRCh38, 1-based): chr5:177,135,949, A>C. VCF-style: chr5-177135949-A-C. GRCh37 (hg19) VCF-style: chr5-176562950-A-C.
Other names: c.-28A>C (NM_001365684.2, NM_001409305.1, NM_001409306.1 and 4 more transcripts); c.846A>C, p.Pro282= (NM_001409301.1, NM_001409302.1, NM_001409303.1); c.426A>C, p.Pro142= (NM_001409304.1).
Identifiers: ClinVar variation 975311 (VCV000975311.6), dbSNP rs377539686, ClinGen allele CA3576965.
Genomic context (GRCh38, chr5:177,135,949, plus strand): 5'-CACAAACATTACAATAGAAGAGCAATTAAACTCAATAAATTTATCTTTTCAGGATGATCC[A>C]GATTCCAGTACCAGTACATTAGGAAACATGCTAGAATTACCTGGAACTTCATCATCATCT-3'
Protein context (NP_071900.2, residues 272-292): NSINLSFQDD[Pro282=]DSSTSTLGNM